The following is an entry in ClinVar:

NM_001164508.2(NEB):c.8038C>T (p.Arg2680Ter)

Gene: NEB (nebulin; minus strand). Cytogenetic location: 2q23.3.
Variant type: single nucleotide variant.
Coding change: c.8038C>T on transcript NM_001164508.2 (MANE Select); coding-DNA position 8038, C replaced by T.
Protein change: p.Arg2680Ter; replaces arginine 2680 with a stop codon.
Molecular consequence: nonsense.
Genome position (GRCh38, 1-based): chr2:151,643,272, G>A on the plus strand (C>T on the coding strand, the complement: NEB is on the minus strand). VCF-style: chr2-151643272-G-A. GRCh37 (hg19) VCF-style: chr2-152499786-G-A.
Other names: c.8038C>T, p.Arg2680Ter (NM_001164507.2, NM_001271208.2, NM_004543.5); c.8038C>T (NM_001271208.1); short protein forms R2680*.
Identifiers: ClinVar variation 370674 (VCV000370674.13), dbSNP rs1057516676, ClinGen allele CA16040849.

ClinVar aggregate classification (germline): Pathogenic/Likely pathogenic. Review status: criteria provided, multiple submitters, no conflicts (2 of 4 stars). 5 submissions from 5 submitters: Pathogenic (2); Likely pathogenic (2). 1 of the submissions does not count toward it. Last evaluated 2025-11-03.

Conditions:
Nemaline myopathy 2 (NEM2). Also called: Nemaline myopathy 2, autosomal recessive. Identifiers: MedGen C1850569, MONDO:0009725, OMIM 256030.
Arthrogryposis multiplex congenita 6. Identifiers: MedGen C5543431, MONDO:0030281, OMIM 619334.

Allele frequency attached by ClinVar (database versions not stated): TOPMed below 0.00001; gnomAD exomes below 0.00001.
gnomAD v4.1: 4 of 1,613,806 alleles (0.00025%); highest among the groups gnomAD compares: East Asian, 0.0022%; no homozygotes.

Submissions (5):

Labcorp Genetics (formerly Invitae), Labcorp
Classification: Pathogenic for Nemaline myopathy 2. Last evaluated: 2025-11-03. Review status: criteria provided, single submitter. Criteria: Invitae Variant Classification Sherloc (09022015). Collection method: clinical testing. Allele origin: germline.
Comment: This sequence change creates a premature translational stop signal (p.Arg2680*) in the NEB gene. It is expected to result in an absent or disrupted protein product. Loss-of-function variants in NEB are known to be pathogenic (PMID: 25205138). This variant is not present in population databases (gnomAD no frequency). This premature translational stop signal has been observed in individual(s) with nemaline myopathy (PMID: 33667896). ClinVar contains an entry for this variant (Variation ID: 370674). For these reasons, this variant has been classified as Pathogenic.

Natera, Inc.
Classification: Likely pathogenic for Nemaline myopathy type 2. Last evaluated: 2025-07-14. Review status: criteria provided, single submitter. Criteria: Natera Variant Classification Schema (03/2026). Collection method: clinical testing. Allele origin: germline.
Comment: The c.8038C>T variant in NEB is a nonsense variant predicted to introduce a stop codon at amino acid 2680. This variant is expected to result in nonsense mediated decay, truncation, or a dysfunctional protein product. This variant is rare in the general population with a frequency below the threshold expected for the associated phenotype(s). Given the available evidence, this variant is classified as Likely Pathogenic.

Baylor Genetics
Classification: Likely pathogenic for Arthrogryposis multiplex congenita 6. Last evaluated: 2023-11-26. Review status: criteria provided, single submitter. Criteria: ACMG Guidelines, 2015. Collection method: clinical testing. Allele origin: unknown.

Juno Genomics, Hangzhou Juno Genomics, Inc
Classification: Pathogenic for Nemaline myopathy 2; Arthrogryposis multiplex congenita 6. Review status: criteria provided, single submitter. Criteria: ACMG Guidelines, 2015. Collection method: clinical testing. Allele origin: germline. Affected: yes.
Comment: Absent from controls (or at extremely low frequency if recessive) in Genome Aggregation Database, Exome Sequencing Project, 1000 Genomes Project, or Exome Aggregation Consortium.;Null variant in a gene where loss of function (LOF) is a known mechanism of disease.;For recessive disorders, detected in trans with a pathogenic variant.

Counsyl
Classification: Likely pathogenic for Nemaline myopathy 2. Last evaluated: 2016-03-22. Review status: no assertion criteria provided. Collection method: clinical testing. Allele origin: unknown. Not counted in ClinVar's aggregate classification.

Literature cited by the submitters: PubMed 25205138 (cited by Labcorp Genetics (formerly Invitae), Labcorp); PubMed 33667896 (cited by Labcorp Genetics (formerly Invitae), Labcorp).